The following is an entry in ClinVar:

ClinVar aggregate classification (germline): Uncertain significance (1 of 4 stars; one submission).

Submission:

Ambry Genetics
Classification: Uncertain significance. Last evaluated: 2025-04-17. Review status: criteria provided, single submitter. Criteria: Ambry Variant Classification Scheme 2023. Collection method: clinical testing. Allele origin: germline.
Comment: The p.L1260H variant (also known as c.3779T>A), located in coding exon 34 of the KIF1B gene, results from a T to A substitution at nucleotide position 3779. The leucine at codon 1260 is replaced by histidine, an amino acid with similar properties. This amino acid position is conserved. In addition, this alteration is predicted to be deleterious by in silico analysis. Based on the available evidence, the clinical significance of this variant remains unclear.

NM_001365951.3(KIF1B):c.3917T>A (p.Leu1306His)

Gene: KIF1B (kinesin family member 1B; plus strand). Cytogenetic location: 1p36.22.
Variant type: single nucleotide variant.
Coding change: c.3917T>A on transcript NM_001365951.3 (MANE Select); coding-DNA position 3917, T replaced by A.
Protein change: p.Leu1306His; replaces leucine 1306 with histidine.
Molecular consequence: missense variant.
Genome position (GRCh38, 1-based): chr1:10,348,701, T>A. VCF-style: chr1-10348701-T-A. GRCh37 (hg19) VCF-style: chr1-10408759-T-A.
Other names: c.3917T>A, p.Leu1306His (NM_001365952.1); c.3779T>A, p.Leu1260His (NM_015074.3); short protein forms L1260H, L1306H.
Identifiers: ClinVar variation 4043114 (VCV004043114.1).